The following is an entry in ClinVar:

ClinVar aggregate classification (germline): Likely benign (1 of 4 stars; one submission).

Submission:

CeGaT Center for Human Genetics Tuebingen
Classification: Likely benign. Last evaluated: 2024-10-01. Review status: criteria provided, single submitter. Criteria: CeGaT Center For Human Genetics Tuebingen Variant Classification Criteria Version 2. Collection method: clinical testing. Allele origin: germline. Affected: yes. Observed: 1 variant allele.
Comment: C4orf54: BP4, BS1

NM_001354435.2(C4orf54):c.2264A>G (p.Asn755Ser)

Gene: C4orf54 (chromosome 4 open reading frame 54; minus strand). Cytogenetic location: 4q23.
Variant type: single nucleotide variant.
Coding change: c.2264A>G on transcript NM_001354435.2 (MANE Select); coding-DNA position 2264, A replaced by G.
Protein change: p.Asn755Ser; replaces asparagine 755 with serine.
Molecular consequence: missense variant.
Genome position (GRCh38, 1-based): chr4:99,652,385, T>C on the plus strand (A>G on the coding strand, the complement: C4orf54 is on the minus strand). VCF-style: chr4-99652385-T-C. GRCh37 (hg19) VCF-style: chr4-100573542-T-C.
Other names: short protein forms N755S.
Identifiers: ClinVar variation 3388410 (VCV003388410.14).
Genomic context (GRCh38, chr4:99,652,385, plus strand): 5'-GGGCCTTTGGTGGCCCTGCCGGGCCCAGGGGCCGAGCTGGCTTTGCTCTCACTGCGTACA[T>C]TCAGGGGCTCCAAAAGGGTGACGACGCGGGAGCCCGTCTGGACCTGCTTCTGGAAACACA-3'
Protein context (NP_001341364.1, residues 745-765): SRVVTLLEPL[Asn755Ser]VRSESKASSA